The following is an entry in ClinVar:

NM_004958.4(MTOR):c.3421C>T (p.Arg1141Cys)

Gene: MTOR (mechanistic target of rapamycin kinase; minus strand). Cytogenetic location: 1p36.22.
Variant type: single nucleotide variant.
Coding change: c.3421C>T on transcript NM_004958.4 (MANE Select); coding-DNA position 3421, C replaced by T.
Protein change: p.Arg1141Cys; replaces arginine 1141 with cysteine.
Molecular consequence: missense variant.
Genome position (GRCh38, 1-based): chr1:11,212,452, G>A on the plus strand (C>T on the coding strand, the complement: MTOR is on the minus strand). VCF-style: chr1-11212452-G-A. GRCh37 (hg19) VCF-style: chr1-11272509-G-A.
Other names: c.3421C>T, p.Arg1141Cys (NM_001386500.1); c.2173C>T, p.Arg725Cys (NM_001386501.1); short protein forms R725C, R1141C.
Identifiers: ClinVar variation 1393952 (VCV001393952.8), dbSNP rs758202360, ClinGen allele CA590224.

ClinVar aggregate classification (germline): Uncertain significance (1 of 4 stars; one submission).

Allele frequency attached by ClinVar (database versions not stated): gnomAD exomes below 0.00001 and 0.00001; TOPMed below 0.00001; ExAC 0.00002; gnomAD 0.00002.
gnomAD v4.1: 7 of 1,613,850 alleles (0.00043%); highest among the groups gnomAD compares: African/African-American, 0.0053%; no homozygotes.

Submission:

Labcorp Genetics (formerly Invitae), Labcorp
Classification: Uncertain significance. Last evaluated: 2025-09-14. Review status: criteria provided, single submitter. Criteria: Invitae Variant Classification Sherloc (09022015). Collection method: clinical testing. Allele origin: germline.
Comment: This sequence change replaces arginine, which is basic and polar, with cysteine, which is neutral and slightly polar, at codon 1141 of the MTOR protein (p.Arg1141Cys). This variant is present in population databases (rs758202360, gnomAD 0.006%). This variant has not been reported in the literature in individuals affected with MTOR-related conditions. ClinVar contains an entry for this variant (Variation ID: 1393952). Invitae Evidence Modeling of protein sequence and biophysical properties (such as structural, functional, and spatial information, amino acid conservation, physicochemical variation, residue mobility, and thermodynamic stability) indicates that this missense variant is not expected to disrupt MTOR protein function with a negative predictive value of 95%. In summary, the available evidence is currently insufficient to determine the role of this variant in disease. Therefore, it has been classified as a Variant of Uncertain Significance.